The following is an entry in ClinVar:

ClinVar aggregate classification (germline): Uncertain significance. Review status: criteria provided, multiple submitters, no conflicts (2 of 4 stars). 5 submissions from 5 submitters: Uncertain significance (5). Last evaluated 2026-01-27.

Conditions:
Hereditary cancer-predisposing syndrome. Also called: Hereditary Cancer Syndrome; Hereditary neoplastic syndrome; Tumor predisposition; Neoplastic Syndromes, Hereditary. Identifiers: Orphanet 140162, MedGen C0027672, MeSH D009386, MONDO:0015356.
Multiple endocrine neoplasia type 2B. Also called: Multiple endocrine neoplasia, type 3; MEN 2B; MULTIPLE ENDOCRINE NEOPLASIA, TYPE IIB; MUCOSAL NEUROMA SYNDROME; Multiple Endocrine Neoplasia Type 2B (MEN2B); MEN IIB. Identifiers: Orphanet 247709, Orphanet 653, MedGen C0025269, MeSH D018814, MONDO:0008082, OMIM 162300.
Hirschsprung disease, susceptibility to, 1 (HSCR1). Also called: RET-Related Hirschsprung Disease. Identifiers: Orphanet 388, MedGen C3888239, MONDO:0007723, OMIM 142623.
Pheochromocytoma. Also called: MAX-Related Hereditary Paraganglioma-Pheochromocytoma Syndrome. Identifiers: Orphanet 29072, MedGen C0031511, MONDO:0008233, OMIM 171300, HP:0002666.
Multiple endocrine neoplasia type 2A. Also called: MULTIPLE ENDOCRINE NEOPLASIA, TYPE IIA; PTC SYNDROME; SIPPLE SYNDROME; MEN 2A; MEN-2A syndrome; Pheochromocytoma and amyloid producing medullary thyroid carcinoma. Identifiers: Orphanet 247698, Orphanet 653, MedGen C0025268, MeSH D018813, MONDO:0008234, OMIM 171400.
Familial medullary thyroid carcinoma (MTC). Also called: Thyroid cancer, familial medullary; MTC, familial; Familial Medullary Thyroid Carcinoma (FMTC). Identifiers: Orphanet 653, Orphanet 99361, MedGen C1833921, MONDO:0007958, OMIM 155240.
Multiple endocrine neoplasia, type 2 (MEN2). Identifiers: Orphanet 653, MedGen C4048306, MONDO:0019003. Disease mechanism: gain of function.

Allele frequency attached by ClinVar (database versions not stated): gnomAD 0.00001; TOPMed 0.00001.

Submissions (5):

Labcorp Genetics (formerly Invitae), Labcorp
Classification: Uncertain significance for Multiple endocrine neoplasia, type 2. Last evaluated: 2026-01-27. Review status: criteria provided, single submitter. Criteria: Invitae Variant Classification Sherloc (09022015). Collection method: clinical testing. Allele origin: germline.
Comment: This sequence change replaces arginine, which is basic and polar, with proline, which is neutral and non-polar, at codon 226 of the RET protein (p.Arg226Pro). This variant is not present in population databases (gnomAD no frequency). This variant has not been reported in the literature in individuals affected with RET-related conditions. ClinVar contains an entry for this variant (Variation ID: 968066). An algorithm developed to predict the effect of missense changes on protein structure and function (PolyPhen-2) suggests that this variant is likely to be tolerated. In summary, the available evidence is currently insufficient to determine the role of this variant in disease. Therefore, it has been classified as a Variant of Uncertain Significance.

Ambry Genetics
Classification: Uncertain significance for Hereditary cancer-predisposing syndrome. Last evaluated: 2025-11-24. Review status: criteria provided, single submitter. Criteria: Ambry Variant Classification Scheme 2023. Collection method: clinical testing. Allele origin: germline.
Comment: The p.R226P variant (also known as c.677G>C), located in coding exon 4 of the RET gene, results from a G to C substitution at nucleotide position 677. The arginine at codon 226 is replaced by proline, an amino acid with dissimilar properties. This amino acid position is not well conserved in available vertebrate species. In addition, this alteration is predicted to be tolerated by in silico analysis. Since supporting evidence is limited at this time, the clinical significance of this alteration remains unclear.

GeneDx
Classification: Uncertain significance. Last evaluated: 2024-08-20. Review status: criteria provided, single submitter. Criteria: GeneDx Variant Classification Process June 2021. Collection method: clinical testing. Allele origin: germline. Affected: yes.
Comment: Not observed at significant frequency in large population cohorts (gnomAD); In silico analysis supports that this missense variant does not alter protein structure/function; Has not been previously published as pathogenic or benign to our knowledge; This variant is associated with the following publications: (PMID: 14633923)

Baylor Genetics
Classification: Uncertain significance for Hirschsprung disease, susceptibility to, 1. Last evaluated: 2023-09-29. Review status: criteria provided, single submitter. Criteria: ACMG Guidelines, 2015. Collection method: clinical testing. Allele origin: unknown.

Fulgent Genetics
Classification: Uncertain significance for Hirschsprung disease, susceptibility to, 1; Familial medullary thyroid carcinoma; Multiple endocrine neoplasia type 2B; Pheochromocytoma; Multiple endocrine neoplasia type 2A. Last evaluated: 2022-03-17. Review status: criteria provided, single submitter. Criteria: ACMG Guidelines, 2015. Collection method: clinical testing. Allele origin: unknown.

NM_020975.6(RET):c.677G>C (p.Arg226Pro)

Gene: RET (ret proto-oncogene; plus strand). Cytogenetic location: 10q11.21.
Variant type: single nucleotide variant.
Coding change: c.677G>C on transcript NM_020975.6 (MANE Select); coding-DNA position 677, G replaced by C.
Protein change: p.Arg226Pro; replaces arginine 226 with proline.
Molecular consequence: missense variant.
Genome position (GRCh38, 1-based): chr10:43,105,003, G>C. VCF-style: chr10-43105003-G-C. GRCh37 (hg19) VCF-style: chr10-43600451-G-C.
Other names: c.677G>C, p.Arg226Pro (NM_000323.2, NM_001406743.1, NM_001406744.1 and 8 more transcripts); c.-86G>C (NM_001355216.2); c.548G>C, p.Arg183Pro (NM_001406761.1, NM_001406762.1, NM_001406764.1 and 2 more transcripts); c.389G>C, p.Arg130Pro (NM_001406766.1, NM_001406767.1, NM_001406770.1); short protein forms R226P, R130P, R183P.
Identifiers: ClinVar variation 968066 (VCV000968066.16), dbSNP rs937818626, ClinGen allele CA376544497.